The following is an entry in ClinVar:

ClinVar aggregate classification (germline): Likely benign. Review status: criteria provided, multiple submitters, no conflicts (2 of 4 stars). 2 submissions from 2 submitters: Likely benign (2). Last evaluated 2025-03-27.

Conditions:
Peutz-Jeghers syndrome (PJS). Also called: Peutz-Jeghers polyposis; Periorificial lentiginosis syndrome; POLYPOSIS, HAMARTOMATOUS INTESTINAL; POLYPS-AND-SPOTS SYNDROME. Identifiers: Orphanet 2869, MedGen C0031269, MeSH D010580, MONDO:0008280, OMIM 175200.

Submissions (2):

Myriad Genetics, Inc.
Classification: Likely benign for Peutz-Jeghers syndrome. Last evaluated: 2025-03-27. Review status: criteria provided, single submitter. Criteria: Myriad Autosomal Dominant, Autosomal Recessive and X-Linked Classification Criteria (2023). Collection method: clinical testing. Allele origin: unknown.
Comment: This variant is considered likely benign. This variant is intronic and is not expected to impact mRNA splicing.

Labcorp Genetics (formerly Invitae), Labcorp
Classification: Likely benign for Peutz-Jeghers syndrome. Last evaluated: 2023-11-24. Review status: criteria provided, single submitter. Criteria: Invitae Variant Classification Sherloc (09022015). Collection method: clinical testing. Allele origin: germline.

NM_000455.5(STK11):c.863-13G>C

Gene: STK11 (serine/threonine kinase 11; plus strand). Cytogenetic location: 19p13.3.
Variant type: single nucleotide variant.
Coding change: c.863-13G>C on transcript NM_000455.5 (MANE Select); 13 bases into the intron before coding-DNA position 863, G replaced by C.
Molecular consequence: intron variant.
Genome position (GRCh38, 1-based): chr19:1,221,936, G>C. VCF-style: chr19-1221936-G-C. GRCh37 (hg19) VCF-style: chr19-1221935-G-C.
Other names: c.863-13G>C (NM_001407255.1).
Identifiers: ClinVar variation 2698591 (VCV002698591.4), dbSNP rs777782595, ClinGen allele CA2697555603.